The following is an entry in ClinVar:

ClinVar aggregate classification (germline): Benign/Likely benign. Review status: criteria provided, multiple submitters, no conflicts (2 of 4 stars). 10 submissions from 10 submitters: Benign (5); Likely benign (2). 3 of the submissions do not count toward it. Last evaluated 2025-03-04.

Conditions:
POLE-related polyposis and colorectal cancer syndrome. Identifiers: MedGen CN324030, MONDO:0100287.
Hereditary cancer-predisposing syndrome. Also called: Hereditary Cancer Syndrome; Hereditary neoplastic syndrome; Neoplastic Syndromes, Hereditary; Tumor predisposition. Identifiers: Orphanet 140162, MedGen C0027672, MeSH D009386, MONDO:0015356.

Submissions (10):

Center for Genomic Medicine, Rigshospitalet, Copenhagen University Hospital
Classification: Benign. Last evaluated: 2025-03-04. Review status: criteria provided, single submitter. Criteria: ACMG Guidelines, 2015. Collection method: clinical testing. Allele origin: germline.

Blueprint Genetics
Classification: Likely benign. Last evaluated: 2024-11-27. Review status: criteria provided, single submitter. Criteria: ACMG Guidelines, 2015. Collection method: clinical testing. Allele origin: germline.

Mayo Clinic Laboratories, Mayo Clinic
Classification: Benign. Last evaluated: 2022-08-03. Review status: criteria provided, single submitter. Criteria: ACMG Guidelines, 2015. Collection method: clinical testing. Allele origin: germline. Observed: 106 variant alleles.
Comment: BA1, BP4, BP7

Department of Pathology and Laboratory Medicine, Sinai Health System
Classification: Benign for POLE-related polyposis and colorectal cancer syndrome. Last evaluated: 2021-06-30. Review status: criteria provided, single submitter. Criteria: ACMG Guidelines, 2015. Collection method: clinical testing. Allele origin: germline. Affected: yes.

Quest Diagnostics Nichols Institute San Juan Capistrano
Classification: Benign. Last evaluated: 2018-12-11. Review status: criteria provided, single submitter. Criteria: Quest Diagnostics criteria. Collection method: clinical testing. Allele origin: germline.

Labcorp Genetics (formerly Invitae), Labcorp
Classification: Benign. Last evaluated: 2017-07-26. Review status: criteria provided, single submitter. Criteria: Invitae Variant Classification Sherloc (09022015). Collection method: clinical testing. Allele origin: germline.

Ambry Genetics
Classification: Likely benign for Hereditary cancer-predisposing syndrome. Last evaluated: 2017-02-14. Review status: criteria provided, single submitter. Criteria: Ambry Variant Classification Scheme 2023. Collection method: clinical testing. Allele origin: germline.

Clinical Genetics, Academic Medical Center
Classification: Benign. Review status: no assertion criteria provided. Collection method: clinical testing. Allele origin: germline. Affected: yes. Study: VKGL Data-share Consensus. Not counted in ClinVar's aggregate classification.

Genome Diagnostics Laboratory, Amsterdam University Medical Center
Classification: Benign. Review status: no assertion criteria provided. Collection method: clinical testing. Allele origin: germline. Affected: yes. Study: VKGL Data-share Consensus. Not counted in ClinVar's aggregate classification.

Laboratory of Diagnostic Genome Analysis, Leiden University Medical Center (LUMC)
Classification: Likely benign. Review status: no assertion criteria provided. Collection method: clinical testing. Allele origin: germline. Affected: yes. Study: VKGL Data-share Consensus. Not counted in ClinVar's aggregate classification.

NM_006231.4(POLE):c.2865-4dup

Gene: POLE (DNA polymerase epsilon, catalytic subunit; minus strand). Cytogenetic location: 12q24.33.
Variant type: Duplication.
Coding change: c.2865-4dup on transcript NM_006231.4 (MANE Select); 4 bases into the intron before coding-DNA position 2865, one base duplicated (T; older notation c.2865-4dupT).
Molecular consequence: intron variant.
Genome position (GRCh38, 1-based): chr12:132,661,168, A duplicated on the plus strand (T on the coding strand, the reverse complement: POLE is on the minus strand); the first of 14 consecutive A bases (chr12:132,661,168-132,661,181); duplicating any one gives the same sequence. VCF-style (leftmost placement, unchanged base first): chr12-132661167-G-GA. GRCh37 (hg19) VCF-style: chr12-133237753-G-GA.
Other names: p.?; c.2865-4dupT (NM_006231.3, NM_006231.4).
Identifiers: ClinVar variation 439266 (VCV000439266.24), dbSNP rs369732588, ClinGen allele CA6893418.